The following is an entry in ClinVar:

ClinVar aggregate classification (germline): Likely pathogenic (1 of 4 stars; one submission).

Submission:

CeGaT Center for Human Genetics Tuebingen
Classification: Likely pathogenic. Last evaluated: 2026-02-01. Review status: criteria provided, single submitter. Criteria: CeGaT Center For Human Genetics Tuebingen Variant Classification Criteria Version 2. Collection method: clinical testing. Allele origin: germline. Affected: yes. Observed: 1 variant allele.
Comment: SLC2A1: PM2, PM4, PS2:Moderate

NM_006516.4(SLC2A1):c.812_817del (p.Pro271_Ile272del)

Gene: SLC2A1 (solute carrier family 2 member 1; minus strand). Cytogenetic location: 1p34.2.
Variant type: Deletion.
Coding change: c.812_817del on transcript NM_006516.4 (MANE Select); coding-DNA positions 812 to 817, 6 bases deleted (CCATCC; older notation c.812_817delCCATCC).
Protein change: p.Pro271_Ile272del.
Molecular consequence: inframe deletion.
Genome position (GRCh38, 1-based): chr1:42,929,643-42,929,648, GGATGG deleted on the plus strand (CCATCC on the coding strand, the reverse complement: SLC2A1 is on the minus strand); deleting any 6 consecutive bases within chr1:42,929,643-42,929,649 gives the same sequence; the c. name uses the placement nearest the transcript's 3' end. VCF-style (leftmost placement, unchanged base first): chr1-42929642-AGGATGG-A. GRCh37 (hg19) VCF-style: chr1-43395313-AGGATGG-A.
Identifiers: ClinVar variation 4823277 (VCV004823277.4).